The following is an entry in ClinVar:

NM_000439.5(PCSK1):c.-96C>T

Genes: CAST (calpastatin; plus strand), PCSK1 (proprotein convertase subtilisin/kexin type 1; minus strand), LOC101929710 (uncharacterized LOC101929710; plus strand). Cytogenetic location: 5q15.
Variant type: single nucleotide variant.
Coding change: c.-96C>T on transcript NM_000439.5 (MANE Select); 96 bases upstream of the start codon, C replaced by T.
Molecular consequence: 5 prime UTR variant.
Genome position (GRCh38, 1-based): chr5:96,433,138, G>A on the plus strand (C>T on the coding strand, the complement: PCSK1 is on the minus strand). VCF-style: chr5-96433138-G-A. GRCh37 (hg19) VCF-style: chr5-95768842-G-A.
Identifiers: ClinVar variation 354655 (VCV000354655.31), dbSNP rs35753085, ClinGen allele CA10622485.
Genomic context (GRCh38, chr5:96,433,138, plus strand): 5'-AAGAGGAAAAAGAAGCAAGATAGGAGAAAAGCCAGACAGACTCCCCCTTCCCACCCTCGG[G>A]CTCTAGACCACTCCTGGCTCCTGGTTGCTCTGCGAAGAGCTAGGAGGCGCGAGAGGAGAG-3'

ClinVar aggregate classification (germline): Conflicting classifications of pathogenicity. Review status: criteria provided, conflicting classifications (1 of 4 stars). 3 submissions from 3 submitters: Uncertain significance (2); Likely benign (1). Last evaluated 2022-12-01.

Conditions:
Obesity due to prohormone convertase I deficiency. Also called: OBESITY AND ENDOCRINOPATHY DUE TO IMPAIRED PROCESSING OF PROHORMONES. Identifiers: Orphanet 71528, MedGen C1833053, MONDO:0010961, OMIM 600955.

Allele frequency attached by ClinVar (database versions not stated): 1000 Genomes Project 0.00240; 1000 Genomes Project 30x 0.00250; TOPMed 0.00492.
gnomAD v4.1: 7,044 of 1,157,718 alleles (0.61%); highest among the groups gnomAD compares: Middle Eastern, 1%; 35 homozygotes.

Submissions (3):

CeGaT Center for Human Genetics Tuebingen
Classification: Likely benign. Last evaluated: 2022-12-01. Review status: criteria provided, single submitter. Criteria: CeGaT Center For Human Genetics Tuebingen Variant Classification Criteria Version 2. Collection method: clinical testing. Allele origin: germline. Affected: yes. Observed: 1 variant allele.
Comment: PCSK1: BS2

Illumina Laboratory Services, Illumina
Classification: Uncertain significance for Obesity due to prohormone convertase I deficiency. Last evaluated: 2018-01-13. Review status: criteria provided, single submitter. Criteria: ICSL Variant Classification Criteria 13 December 2019. Collection method: clinical testing. Allele origin: germline.

Breakthrough Genomics
Classification: Uncertain significance. Review status: criteria provided, single submitter. Criteria: ACMG Guidelines, 2015. Collection method: not provided. Allele origin: germline. Inheritance: Autosomal recessive inheritance. Affected: yes.